The following is an entry in ClinVar:

NM_198859.4(PRICKLE2):c.637C>T (p.Arg213Ter)

Gene: PRICKLE2 (prickle planar cell polarity protein 2; minus strand). Cytogenetic location: 3p14.1.
Variant type: single nucleotide variant.
Coding change: c.637C>T on transcript NM_198859.4 (MANE Select); coding-DNA position 637, C replaced by T.
Protein change: p.Arg213Ter; replaces arginine 213 with a stop codon.
Molecular consequence: nonsense.
Genome position (GRCh38, 1-based): chr3:64,153,332, G>A on the plus strand (C>T on the coding strand, the complement: PRICKLE2 is on the minus strand). VCF-style: chr3-64153332-G-A. GRCh37 (hg19) VCF-style: chr3-64139008-G-A.
Other names: c.637C>T, p.Arg213Ter (NM_001370528.1); short protein forms R213*.
Identifiers: ClinVar variation 3358967 (VCV003358967.2).

ClinVar aggregate classification (germline): Uncertain significance (1 of 4 stars; one submission).

Conditions:
PRICKLE2-associated neurodevelopmental disorder.

gnomAD v4.1: 2 of 1,614,050 alleles (0.00012%); highest among the groups gnomAD compares: Admixed American, 0.0017%; no homozygotes.

Submission:

Institute of Human Genetics, University of Leipzig Medical Center
Classification: Uncertain significance for PRICKLE2-associated neurodevelopmental disorder. Last evaluated: 2024-06-07. Review status: criteria provided, single submitter. Criteria: ACMG Guidelines, 2015. Collection method: clinical testing. Allele origin: unknown. Inheritance: Autosomal dominant inheritance. Affected: yes.
Comment: Criteria applied: PVS1